The following is an entry in ClinVar:

ClinVar aggregate classification (germline): Likely pathogenic. Review status: criteria provided, multiple submitters, no conflicts (2 of 4 stars). 2 submissions from 2 submitters: Likely pathogenic (2). Last evaluated 2025-06-30.

Conditions:
Recurrent Neisseria infections due to factor D deficiency. Also called: FACTOR D DEFICIENCY. Identifiers: Orphanet 169467, MedGen C0398764, MONDO:0013487, OMIM 613912.

Allele frequency attached by ClinVar (database versions not stated): gnomAD 0.00002; TOPMed 0.00002.

Submissions (2):

Labcorp Genetics (formerly Invitae), Labcorp
Classification: Likely pathogenic. Last evaluated: 2025-06-30. Review status: criteria provided, single submitter. Criteria: Invitae Variant Classification Sherloc (09022015). Collection method: clinical testing. Allele origin: germline.
Comment: This sequence change affects a donor splice site in intron 2 of the CFD gene. It is expected to disrupt RNA splicing. Variants that disrupt the donor or acceptor splice site typically lead to a loss of protein function (PMID: 16199547), and loss-of-function variants in CFD are known to be pathogenic (PMID: 11724962). This variant is present in population databases (rs780270249, gnomAD 0.006%). This variant has not been reported in the literature in individuals affected with CFD-related conditions. ClinVar contains an entry for this variant (Variation ID: 2417863). Algorithms developed to predict the effect of sequence changes on RNA splicing suggest that this variant may disrupt the consensus splice site. In summary, the currently available evidence indicates that the variant is pathogenic, but additional data are needed to prove that conclusively. Therefore, this variant has been classified as Likely Pathogenic.

Revvity Omics, Revvity
Classification: Likely pathogenic for Recurrent Neisseria infections due to factor D deficiency. Last evaluated: 2025-02-27. Review status: criteria provided, single submitter. Criteria: ACMG Guidelines, 2015. Collection method: clinical testing. Allele origin: germline.

Literature cited by the submitters: PubMed 16199547 (cited by Labcorp Genetics (formerly Invitae), Labcorp); PubMed 11724962 (cited by Labcorp Genetics (formerly Invitae), Labcorp).

NM_001928.4(CFD):c.212+2T>G

Gene: CFD (complement factor D; plus strand). Cytogenetic location: 19p13.3.
Variant type: single nucleotide variant.
Coding change: c.212+2T>G on transcript NM_001928.4 (MANE Select); the canonical splice donor site of the intron after coding-DNA position 212, T replaced by G.
Molecular consequence: splice donor variant.
Genome position (GRCh38, 1-based): chr19:860,775, T>G. VCF-style: chr19-860775-T-G. GRCh37 (hg19) VCF-style: chr19-860775-T-G.
Other names: c.233+2T>G (NM_001317335.2).
Identifiers: ClinVar variation 2417863 (VCV002417863.8), dbSNP rs780270249, ClinGen allele CA9026245.